The following is an entry in ClinVar:

NM_006121.4(KRT1):c.1677C>T (p.Tyr559=)

Gene: KRT1 (keratin 1; minus strand). Cytogenetic location: 12q13.13.
Variant type: single nucleotide variant.
Coding change: c.1677C>T on transcript NM_006121.4 (MANE Select); coding-DNA position 1677, C replaced by T.
Protein change: p.Tyr559=; no amino-acid change (tyrosine 559 retained).
Molecular consequence: synonymous variant.
Genome position (GRCh38, 1-based): chr12:52,675,451, G>A on the plus strand (C>T on the coding strand, the complement: KRT1 is on the minus strand). VCF-style: chr12-52675451-G-A. GRCh37 (hg19) VCF-style: chr12-53069235-G-A.
Identifiers: ClinVar variation 309638 (VCV000309638.6), dbSNP rs11170232, ClinGen allele CA6586071.

ClinVar aggregate classification (germline): Benign. Review status: criteria provided, single submitter (1 of 4 stars). 3 submissions from 2 submitters: Benign (2). 1 of the submissions does not count toward it. Last evaluated 2018-01-12.

Conditions:
Diffuse nonepidermolytic palmoplantar keratoderma (NEPPK). Also called: Nonepidermolytic palmoplantar hyperkeratosis; Nonepidermolytic palmoplantar keratoderma. Identifiers: Orphanet 530838, MedGen C1833030, MONDO:0010962, OMIM 600962, HP:0007404.
KRT1-related disorder. Also called: KRT1-related condition.
Epidermolytic ichthyosis. Also called: Congenital bullous ichthyosiform erythroderma; Bullous ichthyosiform erythroderma; Epidermolytic Hyperkeratosis; KRT10-Related Epidermolytic Hyperkeratosis. Identifiers: Orphanet 312, MedGen C0079153, MONDO:0007239, HP:0007475.

Allele frequency attached by ClinVar (database versions not stated): gnomAD exomes 0.00018; gnomAD 0.00082 and 0.00086; ExAC 0.00342; 1000 Genomes Project 0.42632.

Submissions (3):

Illumina Laboratory Services, Illumina
Classification: Benign for Diffuse nonepidermolytic palmoplantar keratoderma. Last evaluated: 2018-01-12. Review status: criteria provided, single submitter. Criteria: ICSL Variant Classification Criteria 13 December 2019. Collection method: clinical testing. Allele origin: germline.
Comment: This variant was observed in the ICSL laboratory as part of a predisposition screen in an ostensibly healthy population. It had not been previously curated by ICSL or reported in the Human Gene Mutation Database (HGMD: prior to June 1st, 2018), and was therefore a candidate for classification through an automated scoring system. Utilizing variant allele frequency, disease prevalence and penetrance estimates, and inheritance mode, an automated score was calculated to assess if this variant is too frequent to cause the disease. Based on the score and internal cut-off values, a variant classified as benign is not then subjected to further curation. The score for this variant resulted in a classification of benign for this disease.

Illumina Laboratory Services, Illumina
Classification: Benign for Epidermolytic hyperkeratosis 1. Last evaluated: 2018-01-12. Review status: criteria provided, single submitter. Criteria: ICSL Variant Classification Criteria 13 December 2019. Collection method: clinical testing. Allele origin: germline.
Comment: the same text as in the submission from Illumina Laboratory Services, Illumina above.

PreventionGenetics, part of Exact Sciences
Classification: Likely benign for KRT1-related condition. Last evaluated: 2024-07-26. Review status: no assertion criteria provided. Collection method: clinical testing. Allele origin: germline. Not counted in ClinVar's aggregate classification.
Comment: This variant is classified as likely benign based on ACMG/AMP sequence variant interpretation guidelines (Richards et al. 2015 PMID: 25741868, with internal and published modifications).